The following is an entry in ClinVar:

NM_001164508.2(NEB):c.12312C>T (p.Ala4104=)

Gene: NEB (nebulin; minus strand). Cytogenetic location: 2q23.3.
Variant type: single nucleotide variant.
Coding change: c.12312C>T on transcript NM_001164508.2 (MANE Select); coding-DNA position 12312, C replaced by T.
Protein change: p.Ala4104=; no amino-acid change (alanine 4104 retained).
Molecular consequence: synonymous variant.
Genome position (GRCh38, 1-based): chr2:151,609,827, G>A on the plus strand (C>T on the coding strand, the complement: NEB is on the minus strand). VCF-style: chr2-151609827-G-A. GRCh37 (hg19) VCF-style: chr2-152466341-G-A.
Other names: c.12312C>T (NM_001271208.1); c.12312C>T, p.Ala4104= (NM_001164507.2, NM_001271208.2); c.11583C>T, p.Ala3861= (NM_004543.5).
Identifiers: ClinVar variation 1137347 (VCV001137347.10), dbSNP rs1436769995, ClinGen allele CA429452105.
Genomic context (GRCh38, chr2:151,609,827, plus strand): 5'-ACATCTTCCCCTTCCCCCTTTCCCAAAATTCATGTTACGTACATCACTCTGCAGGTCATA[G>A]GCCTTTTTTGCTTGGATAATGTCGTTTTGATCCGGCATGCATGTCCATTCATGCAGGTAA-3'
Protein context (NP_001157980.2, residues 4094-4114): DQNDIIQAKK[Ala4104=]YDLQSDSVYK

ClinVar aggregate classification (germline): Likely benign. Review status: criteria provided, single submitter (1 of 4 stars). 2 submissions from 2 submitters: Likely benign (1). 1 of the submissions does not count toward it. Last evaluated 2025-07-16.

Conditions:
Nemaline myopathy 2 (NEM2). Also called: Nemaline myopathy 2, autosomal recessive. Identifiers: MedGen C1850569, MONDO:0009725, OMIM 256030.
NEB-related disorder. Also called: NEB-related condition; NEB-Related Disorders.

Allele frequency attached by ClinVar (database versions not stated): gnomAD exomes below 0.00001 and 0.00001; gnomAD 0.00002; TOPMed 0.00002.
gnomAD v4.1: 11 of 1,593,540 alleles (0.00069%); highest among the groups gnomAD compares: Non-Finnish European, 0.00094%; no homozygotes.

Submissions (2):

Labcorp Genetics (formerly Invitae), Labcorp
Classification: Likely benign for Nemaline myopathy 2. Last evaluated: 2025-07-16. Review status: criteria provided, single submitter. Criteria: Invitae Variant Classification Sherloc (09022015). Collection method: clinical testing. Allele origin: germline.

PreventionGenetics, part of Exact Sciences
Classification: Likely benign for NEB-related condition. Last evaluated: 2020-08-20. Review status: no assertion criteria provided. Collection method: clinical testing. Allele origin: germline. Not counted in ClinVar's aggregate classification.
Comment: This variant is classified as likely benign based on ACMG/AMP sequence variant interpretation guidelines (Richards et al. 2015 PMID: 25741868, with internal and published modifications).